The following is an entry in ClinVar:

ClinVar aggregate classification (germline): Benign (1 of 4 stars; one submission).

Conditions:
Hereditary coproporphyria (HCP). Also called: Hereditary coproporphyria porphyria; Porphyria hepatica coproporphyria; Porphyria hepatica II; CPRO deficiency; COPROPORPHYRINOGEN OXIDASE DEFICIENCY; CPO DEFICIENCY. Identifiers: Orphanet 79273, MedGen C0162531, MONDO:0007369, OMIM 121300.

Allele frequency attached by ClinVar (database versions not stated): gnomAD 0.03090 and 0.03180; TOPMed 0.03423; 1000 Genomes Project 30x 0.03701; 1000 Genomes Project 0.03834.
gnomAD v4.1: 15,892 of 984,934 alleles (1.6%); highest among the groups gnomAD compares: African/African-American, 7.8%; 277 homozygotes.

Submission:

Illumina Laboratory Services, Illumina
Classification: Benign for Hereditary coproporphyria. Last evaluated: 2018-01-12. Review status: criteria provided, single submitter. Criteria: ICSL Variant Classification Criteria 13 December 2019. Collection method: clinical testing. Allele origin: germline.
Comment: This variant was observed in the ICSL laboratory as part of a predisposition screen in an ostensibly healthy population. It had not been previously curated by ICSL or reported in the Human Gene Mutation Database (HGMD: prior to June 1st, 2018), and was therefore a candidate for classification through an automated scoring system. Utilizing variant allele frequency, disease prevalence and penetrance estimates, and inheritance mode, an automated score was calculated to assess if this variant is too frequent to cause the disease. Based on the score and internal cut-off values, a variant classified as benign is not then subjected to further curation. The score for this variant resulted in a classification of benign for this disease.

NM_000097.7(CPOX):c.*679G>A

Gene: CPOX (coproporphyrinogen oxidase; minus strand). Cytogenetic location: 3q11.2.
Variant type: single nucleotide variant.
Coding change: c.*679G>A on transcript NM_000097.7 (MANE Select); 679 bases downstream of the stop codon, G replaced by A.
Molecular consequence: 3 prime UTR variant.
Genome position (GRCh38, 1-based): chr3:98,580,004, C>T on the plus strand (G>A on the coding strand, the complement: CPOX is on the minus strand). VCF-style: chr3-98580004-C-T. GRCh37 (hg19) VCF-style: chr3-98298848-C-T.
Other names: c.*679G>A (LRG_1077t1).
Identifiers: ClinVar variation 346956 (VCV000346956.5), dbSNP rs72924722, ClinGen allele CA10617589.
Genomic context (GRCh38, chr3:98,580,004, plus strand): 5'-GATATAAGCTTTCACATTCAAAAGTGCAGAGAATCCCAACATTAACAAACAATGGTTCCA[C>T]AAAAATCAAAATTACAACTTAGACATCTCTAAAATAATAGTAATGTCACTTTAGAGTTTA-3'